The following is an entry in ClinVar:

ClinVar aggregate classification (germline): Uncertain significance (1 of 4 stars; one submission).

Submission:

GeneDx
Classification: Uncertain significance. Last evaluated: 2014-06-04. Review status: criteria provided, single submitter. Criteria: GeneDx Variant Classification (06012015). Collection method: clinical testing. Allele origin: germline. Affected: yes.
Comment: Missense variants in the TTN gene are considered 'unclassified' if they are not previously reported in the literature and do not have >1% frequency in the population to be considered a polymorphism. Research indicates that truncating mutations in the TTN gene are expected to account for approximately 25% of familial and 18% of sporadic idiopathic DCM; however, truncating variants in the TTN gene have been reported in approximately 3% of reported control alleles. There has been little investigation into non-truncating variants. (Herman D et al. Truncations of titin causing dilated cardiomyopathy. N Eng J Med 366:619-628, 2012) The variant is found in CARDIOMYOPATHY panel(s).

NM_001267550.2(TTN):c.75041A>G (p.Glu25014Gly)

Genes: TTN (titin; minus strand), TTN-AS1 (TTN antisense RNA 1; plus strand). Cytogenetic location: 2q31.2.
Variant type: single nucleotide variant.
Coding change: c.75041A>G on transcript NM_001267550.2 (MANE Select); coding-DNA position 75041, A replaced by G.
Protein change: p.Glu25014Gly; replaces glutamic acid 25014 with glycine.
Molecular consequence: missense variant.
Genome position (GRCh38, 1-based): chr2:178,571,091, T>C on the plus strand (A>G on the coding strand, the complement: TTN is on the minus strand). VCF-style: chr2-178571091-T-C. GRCh37 (hg19) VCF-style: chr2-179435818-T-C.
Other names: p.E23373G:GAG>GGG; c.70118A>G, p.Glu23373Gly (NM_001256850.1); c.47846A>G, p.Glu15949Gly (NM_003319.4); c.67337A>G, p.Glu22446Gly (NM_133378.4); c.48221A>G, p.Glu16074Gly (NM_133432.3); c.48422A>G, p.Glu16141Gly (NM_133437.4); short protein forms E23373G, E25014G, E16141G, E22446G, E15949G, E16074G.
Identifiers: ClinVar variation 202859 (VCV000202859.2), dbSNP rs794729495, ClinGen allele CA310505.